The following is an entry in ClinVar:

ClinVar aggregate classification (germline): Uncertain significance. Review status: criteria provided, multiple submitters, no conflicts (2 of 4 stars). 2 submissions from 2 submitters: Uncertain significance (2). Last evaluated 2026-01-02.

Allele frequency attached by ClinVar (database versions not stated): gnomAD 0.00001; TOPMed 0.00001; 1000 Genomes Project 30x 0.00031.
gnomAD v4.1: 13 of 1,464,440 alleles (0.00089%); highest among the groups gnomAD compares: African/African-American, 0.003%; no homozygotes.

Submissions (2):

Labcorp Genetics (formerly Invitae), Labcorp
Classification: Uncertain significance. Last evaluated: 2026-01-02. Review status: criteria provided, single submitter. Criteria: Invitae Variant Classification Sherloc (09022015). Collection method: clinical testing. Allele origin: germline.
Comment: This sequence change replaces glycine, which is neutral and non-polar, with arginine, which is basic and polar, at codon 510 of the FSCN2 protein (p.Gly510Arg). This variant is not present in population databases (gnomAD no frequency). This variant has not been reported in the literature in individuals affected with FSCN2-related conditions. ClinVar contains an entry for this variant (Variation ID: 972630). An algorithm developed to predict the effect of missense changes on protein structure and function (PolyPhen-2) suggests that this variant is likely to be tolerated. In summary, the available evidence is currently insufficient to determine the role of this variant in disease. Therefore, it has been classified as a Variant of Uncertain Significance.

Breakthrough Genomics
Classification: Uncertain significance. Review status: criteria provided, single submitter. Criteria: ACMG Guidelines, 2015. Collection method: not provided. Allele origin: germline. Inheritance: Unknown mechanism. Affected: yes.

NM_012418.4(FSCN2):c.1456G>A (p.Gly486Arg)

Gene: FSCN2 (fascin actin-bundling protein 2, retinal; plus strand). Cytogenetic location: 17q25.3.
Variant type: single nucleotide variant.
Coding change: c.1456G>A on transcript NM_012418.4 (MANE Select); coding-DNA position 1456, G replaced by A.
Protein change: p.Gly486Arg; replaces glycine 486 with arginine.
Molecular consequence: missense variant.
Genome position (GRCh38, 1-based): chr17:81,537,057, G>A. VCF-style: chr17-81537057-G-A. GRCh37 (hg19) VCF-style: chr17-79504083-G-A.
Other names: c.1528G>A, p.Gly510Arg (NM_001077182.3); short protein forms G510R, G486R.
Identifiers: ClinVar variation 972630 (VCV000972630.11), dbSNP rs1030790374, ClinGen allele CA295086003.